The following is an entry in ClinVar:

NM_014712.3(SETD1A):c.2928+3G>A

Gene: SETD1A (SET domain containing 1A, histone lysine methyltransferase; plus strand). Cytogenetic location: 16p11.2.
Variant type: single nucleotide variant.
Coding change: c.2928+3G>A on transcript NM_014712.3 (MANE Select); 3 bases into the intron after coding-DNA position 2928, G replaced by A.
Molecular consequence: intron variant.
Genome position (GRCh38, 1-based): chr16:30,969,465, G>A. VCF-style: chr16-30969465-G-A. GRCh37 (hg19) VCF-style: chr16-30980786-G-A.
Identifiers: ClinVar variation 681048 (VCV000681048.4), dbSNP rs1596681011, ClinGen allele CA915949241.

ClinVar aggregate classification (germline): Conflicting classifications of pathogenicity. Review status: criteria provided, conflicting classifications (1 of 4 stars). 2 submissions from 2 submitters: Uncertain significance (1); Likely benign (1). Last evaluated 2021-11-16.

Allele frequency attached by ClinVar (database versions not stated): gnomAD exomes 0.00001.
gnomAD v4.1: 9 of 1,607,390 alleles (0.00056%); highest among the groups gnomAD compares: Non-Finnish European, 0.00076%; no homozygotes.

Submissions (2):

Revvity Omics, Revvity
Classification: Uncertain significance. Last evaluated: 2021-11-16. Review status: criteria provided, single submitter. Criteria: ACMG Guidelines, 2015. Collection method: clinical testing. Allele origin: germline.

GeneDx
Classification: Likely benign. Last evaluated: 2018-03-29. Review status: criteria provided, single submitter. Criteria: GeneDx Variant Classification (06012015). Collection method: clinical testing. Allele origin: germline. Affected: yes.
Comment: This variant is considered likely benign or benign based on one or more of the following criteria: it is a conservative change, it occurs at a poorly conserved position in the protein, it is predicted to be benign by multiple in silico algorithms, and/or has population frequency not consistent with disease.